The following is an entry in ClinVar:

NM_001103.4(ACTN2):c.2526+3C>T

Gene: ACTN2 (actinin alpha 2; plus strand). Cytogenetic location: 1q43.
Variant type: single nucleotide variant.
Coding change: c.2526+3C>T on transcript NM_001103.4 (MANE Select); 3 bases into the intron after coding-DNA position 2526, C replaced by T.
Molecular consequence: intron variant.
Genome position (GRCh38, 1-based): chr1:236,761,176, C>T. VCF-style: chr1-236761176-C-T. GRCh37 (hg19) VCF-style: chr1-236924476-C-T.
Other names: c.2526+3C>T (NM_001278343.2).
Identifiers: ClinVar variation 2936524 (VCV002936524.3), dbSNP rs2527665704, ClinGen allele CA2740092643.

ClinVar aggregate classification (germline): Uncertain significance (1 of 4 stars; one submission).

Conditions:
Dilated cardiomyopathy 1AA (CMD1AA). Also called: Cardiomyopathy, dilated, 1AA, with or without LVNC; CARDIOMYOPATHY, DILATED, 1AA, WITH OR WITHOUT LEFT VENTRICULAR NONCOMPACTION; CARDIOMYOPATHY, FAMILIAL HYPERTROPHIC, 23, WITH OR WITHOUT LEFT VENTRICULAR NONCOMPACTION. Identifiers: Orphanet 154, MedGen C2677338, MONDO:0012808, OMIM 612158.
Primary familial hypertrophic cardiomyopathy (HCM). Identifiers: Orphanet 99739, MedGen C0949658, MeSH D024741, MONDO:0024573. Inheritance: Various modes of inheritance.

Submission:

Labcorp Genetics (formerly Invitae), Labcorp
Classification: Uncertain significance for Primary familial hypertrophic cardiomyopathy; Dilated cardiomyopathy 1AA. Last evaluated: 2023-11-28. Review status: criteria provided, single submitter. Criteria: Invitae Variant Classification Sherloc (09022015). Collection method: clinical testing. Allele origin: germline.
Comment: This sequence change falls in intron 20 of the ACTN2 gene. It does not directly change the encoded amino acid sequence of the ACTN2 protein. It affects a nucleotide within the consensus splice site. This variant is not present in population databases (gnomAD no frequency). This variant has not been reported in the literature in individuals affected with ACTN2-related conditions. Variants that disrupt the consensus splice site are a relatively common cause of aberrant splicing (PMID: 17576681, 9536098). Algorithms developed to predict the effect of sequence changes on RNA splicing suggest that this variant is not likely to affect RNA splicing. In summary, the available evidence is currently insufficient to determine the role of this variant in disease. Therefore, it has been classified as a Variant of Uncertain Significance.

Literature cited by the submitters: PubMed 17576681; PubMed 9536098.